The following is an entry in ClinVar:

NM_000136.3(FANCC):c.1549_1553del (p.Glu517fs)

Genes: AOPEP (aminopeptidase O (putative); plus strand), FANCC (FA complementation group C; minus strand). Cytogenetic location: 9q22.32.
Variant type: Deletion.
Coding change: c.1549_1553del on transcript NM_000136.3 (MANE Select); coding-DNA positions 1549 to 1553, 5 bases deleted (GAGAT; older notation c.1549_1553delGAGAT).
Protein change: p.Glu517fs; shifts the reading frame from glutamic acid 517.
Molecular consequence: frameshift variant.
Genome position (GRCh38, 1-based): chr9:95,101,831-95,101,835, ATCTC deleted on the plus strand (GAGAT on the coding strand, the reverse complement: FANCC is on the minus strand); deleting any 5 consecutive bases within chr9:95,101,831-95,101,836 gives the same sequence; the c. name uses the placement nearest the transcript's 3' end. VCF-style (leftmost placement, unchanged base first): chr9-95101830-TATCTC-T. GRCh37 (hg19) VCF-style: chr9-97864112-TATCTC-T.
Other names: c.1549_1553del, p.Glu517fs (NM_001243743.2); c.1549_1553del (NM_000136.2); short protein forms E517fs.
Identifiers: ClinVar variation 552933 (VCV000552933.11), dbSNP rs1554827159, ClinGen allele CA658822331.

ClinVar aggregate classification (germline): Pathogenic. Review status: criteria provided, single submitter (1 of 4 stars). 2 submissions from 2 submitters: Pathogenic (1). 1 of the submissions does not count toward it. Last evaluated 2025-10-01.

Conditions:
Fanconi anemia complementation group C (FANCC). Also called: FANCONI PANCYTOPENIA, TYPE 3; FACC; Fanconi anemia, group C; FANCC-Related Fanconi Anemia. Identifiers: Orphanet 84, MedGen C3468041, MONDO:0009213, OMIM 227645.
Fanconi anemia (FA). Also called: Fanconi's anemia. Identifiers: Orphanet 84, MedGen C0015625, MeSH D005199, MONDO:0019391.

Submissions (2):

Labcorp Genetics (formerly Invitae), Labcorp
Classification: Pathogenic for Fanconi anemia. Last evaluated: 2025-10-01. Review status: criteria provided, single submitter. Criteria: Invitae Variant Classification Sherloc (09022015). Collection method: clinical testing. Allele origin: germline.
Comment: This sequence change creates a premature translational stop signal (p.Glu517Asnfs*9) in the FANCC gene. While this is not anticipated to result in nonsense mediated decay, it is expected to disrupt the last 42 amino acid(s) of the FANCC protein. This variant is not present in population databases (gnomAD no frequency). This variant has not been reported in the literature in individuals affected with FANCC-related conditions. ClinVar contains an entry for this variant (Variation ID: 552933). This variant disrupts a region of the FANCC protein in which other variant(s) (p.Arg548*) have been determined to be pathogenic (PMID: 8103176, 8882868, 24584348). This suggests that this is a clinically significant region of the protein, and that variants that disrupt it are likely to be disease-causing. For these reasons, this variant has been classified as Pathogenic.

Counsyl
Classification: Likely pathogenic for Fanconi anemia complementation group C. Last evaluated: 2017-07-21. Review status: no assertion criteria provided. Collection method: clinical testing. Allele origin: unknown. Not counted in ClinVar's aggregate classification.

Literature cited by the submitters: PubMed 8103176 (cited by Labcorp Genetics (formerly Invitae), Labcorp); PubMed 8882868 (cited by Labcorp Genetics (formerly Invitae), Labcorp); PubMed 24584348 (cited by Labcorp Genetics (formerly Invitae), Labcorp).